The following is an entry in ClinVar:

ClinVar aggregate classification (germline): Likely benign (1 of 4 stars; one submission).

Allele frequency attached by ClinVar (database versions not stated): gnomAD exomes below 0.00001; gnomAD 0.00001; TOPMed 0.00002.
gnomAD v4.1: 3 of 1,613,466 alleles (0.00019%); highest among the groups gnomAD compares: African/African-American, 0.004%; no homozygotes.

Submission:

CeGaT Center for Human Genetics Tuebingen
Classification: Likely benign. Last evaluated: 2022-04-01. Review status: criteria provided, single submitter. Criteria: CeGaT Center For Human Genetics Tuebingen Variant Classification Criteria Version 2. Collection method: clinical testing. Allele origin: germline. Affected: yes. Observed: 1 variant allele.
Comment: PLEC: BP4, BP7

NM_201384.3(PLEC):c.7284G>A (p.Val2428=)

Gene: PLEC (plectin; minus strand). Cytogenetic location: 8q24.3.
Variant type: single nucleotide variant.
Coding change: c.7284G>A on transcript NM_201384.3 (MANE Select); coding-DNA position 7284, G replaced by A.
Protein change: p.Val2428=; no amino-acid change (valine 2428 retained).
Molecular consequence: synonymous variant. On other transcripts: intron variant (1).
Genome position (GRCh38, 1-based): chr8:143,922,645, C>T on the plus strand (G>A on the coding strand, the complement: PLEC is on the minus strand). VCF-style: chr8-143922645-C-T. GRCh37 (hg19) VCF-style: chr8-144996813-C-T.
Other names: c.4126-250G>A (NM_001410941.1); c.7365G>A, p.Val2455= (NM_000445.5); c.7242G>A, p.Val2414= (NM_201378.4); c.7218G>A, p.Val2406= (NM_201379.3); c.7695G>A, p.Val2565= (NM_201380.4); c.7188G>A, p.Val2396= (NM_201381.3); c.7284G>A, p.Val2428= (NM_201382.4); c.7296G>A, p.Val2432= (NM_201383.3).
Identifiers: ClinVar variation 2658949 (VCV002658949.24), dbSNP rs1413293602, ClinGen allele CA463533416.